The following is an entry in ClinVar:

ClinVar aggregate classification (germline): Uncertain significance (1 of 4 stars; one submission).

Conditions:
Immunodeficiency. Identifiers: MedGen C0021051, MONDO:0021094, HP:0002721.

gnomAD v4.1: 1 of 1,614,192 alleles (0.000062%); highest among the groups gnomAD compares: Non-Finnish European, 0.000085%; no homozygotes.

Submission:

Labcorp Genetics (formerly Invitae), Labcorp
Classification: Uncertain significance for Immunodeficiency. Last evaluated: 2025-09-18. Review status: criteria provided, single submitter. Criteria: Invitae Variant Classification Sherloc (09022015). Collection method: clinical testing. Allele origin: germline.
Comment: This sequence change replaces phenylalanine, which is neutral and non-polar, with leucine, which is neutral and non-polar, at codon 1106 of the NFAT5 protein (p.Phe1106Leu). This variant is present in population databases (no rsID available, gnomAD 0.0009%). This variant has not been reported in the literature in individuals affected with NFAT5-related conditions. An algorithm developed to predict the effect of missense changes on protein structure and function (PolyPhen-2) suggests that this variant is likely to be disruptive. In summary, the available evidence is currently insufficient to determine the role of this variant in disease. Therefore, it has been classified as a Variant of Uncertain Significance.

NM_138713.4(NFAT5):c.3600C>G (p.Phe1200Leu)

Gene: NFAT5 (nuclear factor of activated T cells 5; plus strand). Cytogenetic location: 16q22.1.
Variant type: single nucleotide variant.
Coding change: c.3600C>G on transcript NM_138713.4 (MANE Select); coding-DNA position 3600, C replaced by G.
Protein change: p.Phe1200Leu; replaces phenylalanine 1200 with leucine.
Molecular consequence: missense variant.
Genome position (GRCh38, 1-based): chr16:69,693,425, C>G. VCF-style: chr16-69693425-C-G. GRCh37 (hg19) VCF-style: chr16-69727328-C-G.
Other names: c.3597C>G, p.Phe1199Leu (NM_001113178.3); c.2925C>G, p.Phe975Leu (NM_001367709.1); c.3546C>G, p.Phe1182Leu (NM_006599.4); c.3318C>G, p.Phe1106Leu (NM_138714.4, NM_173214.3, NM_173215.3); short protein forms F1199L, F1106L, F1182L, F1200L, F975L.
Identifiers: ClinVar variation 4724820 (VCV004724820.1).